The following is an entry in ClinVar:

NM_001953.5(TYMP):c.1421C>T (p.Ala474Val)

Genes: SCO2 (synthesis of cytochrome C oxidase 2; minus strand), TYMP (thymidine phosphorylase; minus strand), LOC130067862 (ATAC-STARR-seq lymphoblastoid silent region 13986; plus strand). Cytogenetic location: 22q13.33.
Variant type: single nucleotide variant.
Coding change: c.1421C>T on transcript NM_001953.5 (MANE Select); coding-DNA position 1421, C replaced by T.
Protein change: p.Ala474Val; replaces alanine 474 with valine.
Molecular consequence: missense variant. On other transcripts: intron variant (2).
Genome position (GRCh38, 1-based): chr22:50,525,798, G>A on the plus strand (C>T on the coding strand, the complement: TYMP is on the minus strand). VCF-style: chr22-50525798-G-A. GRCh37 (hg19) VCF-style: chr22-50964227-G-A.
Other names: c.1421C>T, p.Ala474Val (NM_001113755.3, NM_001113756.3, NM_001257988.1); c.1436C>T, p.Ala479Val (NM_001257989.1); c.-14+448C>T (NM_001169109.2); c.-14+203C>T (NM_001169110.1); short protein forms A474V, A479V.
Identifiers: ClinVar variation 1975288 (VCV001975288.5), dbSNP rs2069328501, ClinGen allele CA412195974.

ClinVar aggregate classification (germline): Uncertain significance (1 of 4 stars; one submission).

Allele frequency attached by ClinVar (database versions not stated): gnomAD 0.00001; gnomAD exomes below 0.00001; TOPMed below 0.00001.
gnomAD v4.1: 5 of 1,610,760 alleles (0.00031%); highest among the groups gnomAD compares: Admixed American, 0.0017%; no homozygotes.

Submission:

Labcorp Genetics (formerly Invitae), Labcorp
Classification: Uncertain significance. Last evaluated: 2022-06-15. Review status: criteria provided, single submitter. Criteria: Invitae Variant Classification Sherloc (09022015). Collection method: clinical testing. Allele origin: germline.
Comment: This sequence change replaces alanine, which is neutral and non-polar, with valine, which is neutral and non-polar, at codon 474 of the TYMP protein (p.Ala474Val). In summary, the available evidence is currently insufficient to determine the role of this variant in disease. Therefore, it has been classified as a Variant of Uncertain Significance. Advanced modeling of protein sequence and biophysical properties (such as structural, functional, and spatial information, amino acid conservation, physicochemical variation, residue mobility, and thermodynamic stability) performed at Invitae indicates that this missense variant is not expected to disrupt TYMP protein function. This variant has not been reported in the literature in individuals affected with TYMP-related conditions. This variant is not present in population databases (gnomAD no frequency).